The following is an entry in ClinVar:

NM_000540.3(RYR1):c.5815-6C>G

Gene: RYR1 (ryanodine receptor 1; plus strand). Cytogenetic location: 19q13.2.
Variant type: single nucleotide variant.
Coding change: c.5815-6C>G on transcript NM_000540.3 (MANE Select); 6 bases into the intron before coding-DNA position 5815, C replaced by G.
Molecular consequence: intron variant.
Genome position (GRCh38, 1-based): chr19:38,490,070, C>G. VCF-style: chr19-38490070-C-G. GRCh37 (hg19) VCF-style: chr19-38980710-C-G.
Other names: c.5815-6C>G (NM_001042723.2).
Identifiers: ClinVar variation 834429 (VCV000834429.8), dbSNP rs747700902, ClinGen allele CA067509.

ClinVar aggregate classification (germline): Likely benign. Review status: criteria provided, multiple submitters, no conflicts (2 of 4 stars). 3 submissions from 3 submitters: Likely benign (3). Last evaluated 2026-01-01.

Conditions:
RYR1-related disorder. Also called: RYR1-related disorders; RYR1-related condition. Identifiers: MedGen CN239331.
Malignant hyperthermia, susceptibility to, 1 (MHS1). Also called: Malignant hyperthermia suceptibility 1; RYR1-Related Malignant Hyperthermia Susceptibility; Anesthesia related hyperthermia; Malignant hyperpyrexia; Fulminating hyperpyrexia; Pharmacogenic myopathy. Identifiers: Orphanet 423, MedGen C2930980, MONDO:0007783, OMIM 145600.

Allele frequency attached by ClinVar (database versions not stated): ExAC 0.00004; gnomAD 0.00004; gnomAD exomes 0.00004; TOPMed 0.00004.
gnomAD v4.1: 56 of 1,613,804 alleles (0.0035%); highest among the groups gnomAD compares: Middle Eastern, 0.12%; no homozygotes.

Submissions (3):

Labcorp Genetics (formerly Invitae), Labcorp
Classification: Likely benign for RYR1-related disorder. Last evaluated: 2026-01-01. Review status: criteria provided, single submitter. Criteria: Invitae Variant Classification Sherloc (09022015). Collection method: clinical testing. Allele origin: germline.

All of Us Research Program, National Institutes of Health
Classification: Likely benign for Malignant hyperthermia, susceptibility to, 1. Last evaluated: 2024-08-13. Review status: criteria provided, single submitter. Criteria: ACMG Guidelines, 2015. Collection method: clinical testing. Allele origin: germline. Inheritance: Autosomal dominant inheritance. Observed: 20 variant alleles, 20 heterozygotes.
Comment: This study involves interpretation of variants in research participants for the purpose of population health screening. Participant phenotype was not available at the time of variant classification. Additional details can be found in publication PMID: 35346344, PMCID: PMC8962531

Color Diagnostics, LLC DBA Color Health
Classification: Likely benign for Malignant hyperthermia, susceptibility to, 1. Last evaluated: 2024-05-13. Review status: criteria provided, single submitter. Criteria: ACMG Guidelines, 2015. Collection method: clinical testing. Allele origin: germline.